The following is an entry in ClinVar:

NM_001368397.1(FRMPD4):c.1793A>C (p.Asp598Ala)

Gene: FRMPD4 (FERM and PDZ domain containing 4; plus strand). Cytogenetic location: Xp22.2.
Variant type: single nucleotide variant.
Coding change: c.1793A>C on transcript NM_001368397.1 (MANE Select); coding-DNA position 1793, A replaced by C.
Protein change: p.Asp598Ala; replaces aspartic acid 598 with alanine.
Molecular consequence: missense variant.
Genome position (GRCh38, 1-based): chrX:12,716,252, A>C. VCF-style: chrX-12716252-A-C. GRCh37 (hg19) VCF-style: chrX-12734371-A-C.
Other names: c.1904A>C, p.Asp635Ala (NM_001368395.3, NM_001368398.3); c.1799A>C, p.Asp600Ala (NM_001368396.3); c.1784A>C, p.Asp595Ala (NM_001368399.3); c.1673A>C, p.Asp558Ala (NM_001368400.3); c.1769A>C, p.Asp590Ala (NM_001368401.1, NM_001368402.3); c.1793A>C, p.Asp598Ala (NM_014728.3); short protein forms D558A, D590A, D595A, D598A, D600A, D635A.
Identifiers: ClinVar variation 3343307 (VCV003343307.1).

ClinVar aggregate classification (germline): Uncertain significance (1 of 4 stars; one submission).

Submission:

GeneDx
Classification: Uncertain significance. Last evaluated: 2023-05-04. Review status: criteria provided, single submitter. Criteria: GeneDx Variant Classification Process June 2021. Collection method: clinical testing. Allele origin: germline. Affected: yes.
Comment: Not observed at significant frequency in large population cohorts (gnomAD); In silico analysis supports that this missense variant does not alter protein structure/function; Has not been previously published as pathogenic or benign to our knowledge